The following is an entry in ClinVar:

ClinVar aggregate classification (germline): Pathogenic (1 of 4 stars; one submission).

Submission:

Labcorp Genetics (formerly Invitae), Labcorp
Classification: Pathogenic. Last evaluated: 2024-06-07. Review status: criteria provided, single submitter. Criteria: Invitae Variant Classification Sherloc (09022015). Collection method: clinical testing. Allele origin: germline.
Comment: This sequence change creates a premature translational stop signal (p.His79Serfs*35) in the SAR1B gene. It is expected to result in an absent or disrupted protein product. Loss-of-function variants in SAR1B are known to be pathogenic (PMID: 12692552, 17945526). This variant is not present in population databases (gnomAD no frequency). This variant has not been reported in the literature in individuals affected with SAR1B-related conditions. For these reasons, this variant has been classified as Pathogenic.

Literature cited by the submitters: PubMed 12692552; PubMed 17945526.

NM_016103.4(SAR1B):c.235_242del (p.His79fs)

Gene: SAR1B (secretion associated Ras related GTPase 1B; minus strand). Cytogenetic location: 5q31.1.
Variant type: Deletion.
Coding change: c.235_242del on transcript NM_016103.4 (MANE Select); coding-DNA positions 235 to 242, 8 bases deleted (CATGTTCA; older notation c.235_242delCATGTTCA).
Protein change: p.His79fs; shifts the reading frame from histidine 79.
Molecular consequence: frameshift variant.
Genome position (GRCh38, 1-based): chr5:134,612,693-134,612,700, TGAACATG deleted on the plus strand (CATGTTCA on the coding strand, the reverse complement: SAR1B is on the minus strand); deleting any 8 consecutive bases within chr5:134,612,693-134,612,701 gives the same sequence; the c. name uses the placement nearest the transcript's 3' end. VCF-style (leftmost placement, unchanged base first): chr5-134612692-TTGAACATG-T. GRCh37 (hg19) VCF-style: chr5-133948382-TTGAACATG-T.
Other names: c.235_242del, p.His79fs (NM_001033503.3); short protein forms H79fs.
Identifiers: ClinVar variation 3654937 (VCV003654937.2).
Genomic context (GRCh38, chr5:134,612,692, plus strand): 5'-GAGCCTGTCTAAAAAAAAAAAAAAAAAAAAAAAAAAAAAAAAAAAAAAAAGAATCTTACC[TTGAACATG>T]TCCACCCAGATCAAAAGTTGTAAACGTCATGCCAGCAATGGTCAGTTCTTCGGAAGCTAA-3'